The following is an entry in ClinVar:

ClinVar aggregate classification (germline): Uncertain significance (1 of 4 stars; one submission).

Conditions:
Atrioventricular septal defect, susceptibility to, 2. Identifiers: MedGen C1853508, MONDO:0011650, OMIM 606217.

Allele frequency attached by ClinVar (database versions not stated): TOPMed 0.00002; gnomAD exomes 0.00003; ExAC 0.00005.

Submission:

Labcorp Genetics (formerly Invitae), Labcorp
Classification: Uncertain significance for Atrioventricular septal defect, susceptibility to, 2. Last evaluated: 2020-06-27. Review status: criteria provided, single submitter. Criteria: Invitae Variant Classification Sherloc (09022015). Collection method: clinical testing. Allele origin: germline.
Comment: This sequence change replaces proline with serine at codon 154 of the CRELD1 protein (p.Pro154Ser). The proline residue is moderately conserved and there is a moderate physicochemical difference between proline and serine. In summary, the available evidence is currently insufficient to determine the role of this variant in disease. Therefore, it has been classified as a Variant of Uncertain Significance. Algorithms developed to predict the effect of sequence changes on RNA splicing suggest that this variant may disrupt the consensus splice site, but this prediction has not been confirmed by published transcriptional studies. Algorithms developed to predict the effect of missense changes on protein structure and function (SIFT, PolyPhen-2, Align-GVGD) all suggest that this variant is likely to be tolerated, but these predictions have not been confirmed by published functional studies and their clinical significance is uncertain. This variant has not been reported in the literature in individuals with CRELD1-related conditions. This variant is present in population databases (rs746095271, ExAC 0.03%).

NM_001077415.3(CRELD1):c.460C>T (p.Pro154Ser)

Gene: CRELD1 (CRELD disulfide isomerase 1; plus strand). Cytogenetic location: 3p25.3.
Variant type: single nucleotide variant.
Coding change: c.460C>T on transcript NM_001077415.3 (MANE Select); coding-DNA position 460, C replaced by T.
Protein change: p.Pro154Ser; replaces proline 154 with serine.
Molecular consequence: missense variant. On other transcripts: non-coding transcript variant (2).
Genome position (GRCh38, 1-based): chr3:9,938,106, C>T. VCF-style: chr3-9938106-C-T. GRCh37 (hg19) VCF-style: chr3-9979790-C-T.
Other names: c.460C>T, p.Pro154Ser (NM_001031717.4, NM_001374316.1, NM_001374317.1 and 4 more transcripts); short protein forms P154S.
Identifiers: ClinVar variation 956320 (VCV000956320.6), dbSNP rs746095271, ClinGen allele CA2247695.